The following is an entry in ClinVar:

NM_001111.5(ADAR):c.2592C>T (p.Leu864=)

Genes: ADAR (adenosine deaminase RNA specific; minus strand), LOC126805874 (CDK7 strongly-dependent group 2 enhancer GRCh37_chr1:154561176-154562375; plus strand). Cytogenetic location: 1q21.3.
Variant type: single nucleotide variant.
Coding change: c.2592C>T on transcript NM_001111.5 (MANE Select); coding-DNA position 2592, C replaced by T.
Protein change: p.Leu864=; no amino-acid change (leucine 864 retained).
Molecular consequence: synonymous variant.
Genome position (GRCh38, 1-based): chr1:154,589,833, G>A on the plus strand (C>T on the coding strand, the complement: ADAR is on the minus strand). VCF-style: chr1-154589833-G-A. GRCh37 (hg19) VCF-style: chr1-154562309-G-A.
Other names: c.1707C>T, p.Leu569= (NM_001025107.3, NM_001193495.2, NM_001365046.1 and 2 more transcripts); c.2619C>T, p.Leu873= (NM_001365045.1); c.1629C>T, p.Leu543= (NM_001365049.1); c.2514C>T, p.Leu838= (NM_015840.4); c.2457C>T, p.Leu819= (NM_015841.4); c.2592C>T (NM_001111.4).
Identifiers: ClinVar variation 1109642 (VCV001109642.33), dbSNP rs138707431, ClinGen allele CA1131222.

ClinVar aggregate classification (germline): Likely benign. Review status: criteria provided, multiple submitters, no conflicts (2 of 4 stars). 3 submissions from 3 submitters: Likely benign (2). 1 of the submissions does not count toward it. Last evaluated 2025-08-11.

Conditions:
ADAR-related disorder. Also called: ADAR-related condition; ADAR-related disorders.
Aicardi-Goutieres syndrome 6 (AGS6). Identifiers: Orphanet 51, MedGen C3539013, MONDO:0014007, OMIM 615010.
Symmetrical dyschromatosis of extremities (DSH). Also called: SYMMETRIC DYSCHROMATOSIS OF THE EXTREMITIES; DYSCHROMATOSIS SYMMETRICA HEREDITARIA 1; Dyschromatosis symmetrica hereditaria; RETICULATE ACROPIGMENTATION OF DOHI. Identifiers: Orphanet 41, MedGen C0406775, MONDO:0007483, OMIM 127400.

Allele frequency attached by ClinVar (database versions not stated): gnomAD 0.00002; ESP Exome Variant Server 0.00015.
gnomAD v4.1: 5 of 1,613,924 alleles (0.00031%); highest among the groups gnomAD compares: African/African-American, 0.004%; no homozygotes.

Submissions (3):

Labcorp Genetics (formerly Invitae), Labcorp
Classification: Likely benign for Aicardi-Goutieres syndrome 6; Symmetrical dyschromatosis of extremities. Last evaluated: 2025-08-11. Review status: criteria provided, single submitter. Criteria: Invitae Variant Classification Sherloc (09022015). Collection method: clinical testing. Allele origin: germline.

CeGaT Center for Human Genetics Tuebingen
Classification: Likely benign. Last evaluated: 2023-10-01. Review status: criteria provided, single submitter. Criteria: CeGaT Center For Human Genetics Tuebingen Variant Classification Criteria Version 2. Collection method: clinical testing. Allele origin: germline. Affected: yes. Observed: 1 variant allele.
Comment: ADAR: BP4, BP7

PreventionGenetics, part of Exact Sciences
Classification: Likely benign for ADAR-related condition. Last evaluated: 2021-02-23. Review status: no assertion criteria provided. Collection method: clinical testing. Allele origin: germline. Not counted in ClinVar's aggregate classification.
Comment: This variant is classified as likely benign based on ACMG/AMP sequence variant interpretation guidelines (Richards et al. 2015 PMID: 25741868, with internal and published modifications).